The following is an entry in ClinVar:

ClinVar aggregate classification (germline): Uncertain significance. Review status: criteria provided, multiple submitters, no conflicts (2 of 4 stars). 2 submissions from 2 submitters: Uncertain significance (2). Last evaluated 2024-11-21.

Allele frequency attached by ClinVar (database versions not stated): gnomAD exomes 0.00001; TOPMed 0.00001.
gnomAD v4.1: 13 of 1,612,208 alleles (0.00081%); highest among the groups gnomAD compares: Middle Eastern, 0.034%; no homozygotes.

Submissions (2):

Ambry Genetics
Classification: Uncertain significance. Last evaluated: 2024-11-21. Review status: criteria provided, single submitter. Criteria: Ambry Variant Classification Scheme 2023. Collection method: clinical testing. Allele origin: germline.
Comment: The p.R207C variant (also known as c.619C>T), located in coding exon 6 of the SRP72 gene, results from a C to T substitution at nucleotide position 619. The arginine at codon 207 is replaced by cysteine, an amino acid with highly dissimilar properties. This amino acid position is conserved. In addition, the in silico prediction for this alteration is inconclusive. Based on the available evidence, the clinical significance of this variant remains unclear.

GeneDx
Classification: Uncertain significance. Last evaluated: 2024-02-27. Review status: criteria provided, single submitter. Criteria: GeneDx Variant Classification Process June 2021. Collection method: clinical testing. Allele origin: germline. Affected: yes.
Comment: Not observed at significant frequency in large population cohorts (gnomAD); In silico analysis supports that this missense variant has a deleterious effect on protein structure/function; Has not been previously published as pathogenic or benign to our knowledge

NM_006947.4(SRP72):c.619C>T (p.Arg207Cys)

Gene: SRP72 (signal recognition particle 72; plus strand). Cytogenetic location: 4q12.
Variant type: single nucleotide variant.
Coding change: c.619C>T on transcript NM_006947.4 (MANE Select); coding-DNA position 619, C replaced by T.
Protein change: p.Arg207Cys; replaces arginine 207 with cysteine.
Molecular consequence: missense variant. On other transcripts: non-coding transcript variant (1).
Genome position (GRCh38, 1-based): chr4:56,476,679, C>T. VCF-style: chr4-56476679-C-T. GRCh37 (hg19) VCF-style: chr4-57342845-C-T.
Other names: c.619C>T, p.Arg207Cys (NM_001267722.2); short protein forms R207C.
Identifiers: ClinVar variation 3170032 (VCV003170032.3), dbSNP rs921308577, ClinGen allele CA97591168.
Genomic context (GRCh38, chr4:56,476,679, plus strand): 5'-GAAATGGGATTTACCCAGCAATACTACTTTTAAAACAATTTTTCTCCTGTAGATCTTTGC[C>T]GCCGTTCATTATCAGAAGACACTGTAAGTATTCCATCATTGTTAAACCTAAATTTTACAC-3'
Protein context (NP_008878.3, residues 197-217): KILQKAEDLC[Arg207Cys]RSLSEDTDGT